The following is an entry in ClinVar:

NM_001377229.1(DISP1):c.3791TCT[1] (p.Phe1265del)

Gene: DISP1 (dispatched RND transporter family member 1; plus strand). Cytogenetic location: 1q41.
Variant type: Microsatellite.
Coding change: c.3791TCT[1] on transcript NM_001377229.1 (MANE Select); one copy of the 3-base unit TCT starting at c.3791; the reference has two copies in a row; one copy, 3 bases deleted; also written c.3794_3796del.
Protein change: p.Phe1265del; deletes phenylalanine 1265.
Molecular consequence: inframe deletion.
Genome position (GRCh38, 1-based): chr1:223,005,191-223,005,193, TCT deleted; deleting any 3 consecutive bases within chr1:223,005,186-223,005,193 gives the same sequence; the position shown is the placement nearest the transcript's 3' end. VCF-style (leftmost placement, unchanged base first): chr1-223005185-ACTT-A. GRCh37 (hg19) VCF-style: chr1-223178527-ACTT-A.
Other names: c.3791TCT[1], p.Phe1265del (NM_001369594.1, NM_001377228.1, NM_032890.5); c.3794_3796del (NM_001377229.1); c.3062TCT[1], p.Phe1022del (NM_001350630.2); short protein forms F1265del, F1022del.
Identifiers: ClinVar variation 2177523 (VCV002177523.6), dbSNP rs776904120, ClinGen allele CA1409470.

ClinVar aggregate classification (germline): Uncertain significance. Review status: criteria provided, multiple submitters, no conflicts (2 of 4 stars). 2 submissions from 2 submitters: Uncertain significance (2). Last evaluated 2025-12-24.

Submissions (2):

Labcorp Genetics (formerly Invitae), Labcorp
Classification: Uncertain significance. Last evaluated: 2025-12-24. Review status: criteria provided, single submitter. Criteria: Invitae Variant Classification Sherloc (09022015). Collection method: clinical testing. Allele origin: germline.
Comment: This variant, c.3794_3796del, results in the deletion of 1 amino acid(s) of the DISP1 protein (p.Phe1265del), but otherwise preserves the integrity of the reading frame. This variant is present in population databases (rs776904120, gnomAD 0.01%). This variant has not been reported in the literature in individuals affected with DISP1-related conditions. Experimental studies and prediction algorithms are not available or were not evaluated, and the functional significance of this variant is currently unknown. In summary, the available evidence is currently insufficient to determine the role of this variant in disease. Therefore, it has been classified as a Variant of Uncertain Significance.

Dasa
Classification: Uncertain significance. Last evaluated: 2025-07-01. Review status: criteria provided, single submitter. Criteria: DASA Assertion Criteria. Collection method: clinical testing. Allele origin: germline.
Comment: NM_001377229.1(DISP1):c.3794_3796del (p.Phe1265del) is an in-frame deletion predicted to remove phenylalanine at protein position 1265 without shifting the reading frame. This variant is rare in population databases. The currently available literature and clinical evidence are not sufficient to establish a definitive association between this variant and the reported condition. Therefore, this variant is classified as a variant of uncertain significance.